The following is an entry in ClinVar:

ClinVar aggregate classification (germline): Uncertain significance (1 of 4 stars; one submission).

Conditions:
Hereditary cancer-predisposing syndrome. Also called: Hereditary Cancer Syndrome; Hereditary neoplastic syndrome; Neoplastic Syndromes, Hereditary; Tumor predisposition. Identifiers: Orphanet 140162, MedGen C0027672, MeSH D009386, MONDO:0015356.

gnomAD v4.1: 1 of 1,614,214 alleles (0.000062%); highest among the groups gnomAD compares: Non-Finnish European, 0.000085%; no homozygotes.

Submission:

Ambry Genetics
Classification: Uncertain significance for Hereditary cancer-predisposing syndrome. Last evaluated: 2025-08-20. Review status: criteria provided, single submitter. Criteria: Ambry Variant Classification Scheme 2023. Collection method: clinical testing. Allele origin: germline.
Comment: The p.Q1148R variant (also known as c.3443A>G), located in coding exon 20 of the DICER1 gene, results from an A to G substitution at nucleotide position 3443. The glutamine at codon 1148 is replaced by arginine, an amino acid with highly similar properties. This amino acid position is conserved. In addition, this alteration is predicted to be deleterious by in silico analysis. Based on the available evidence, the clinical significance of this variant remains unclear.

NM_177438.3(DICER1):c.3443A>G (p.Gln1148Arg)

Gene: DICER1 (dicer 1, ribonuclease III; minus strand). Cytogenetic location: 14q32.13.
Variant type: single nucleotide variant.
Coding change: c.3443A>G on transcript NM_177438.3 (MANE Select); coding-DNA position 3443, A replaced by G.
Protein change: p.Gln1148Arg; replaces glutamine 1148 with arginine.
Molecular consequence: missense variant. On other transcripts: non-coding transcript variant (6).
Genome position (GRCh38, 1-based): chr14:95,103,953, T>C on the plus strand (A>G on the coding strand, the complement: DICER1 is on the minus strand). VCF-style: chr14-95103953-T-C. GRCh37 (hg19) VCF-style: chr14-95570290-T-C.
Other names: c.2876A>G, p.Gln959Arg (NM_001395691.1); c.3443A>G, p.Gln1148Arg (NM_001395692.1, NM_001395693.1, NM_001395694.1 and 12 more transcripts); c.3038A>G, p.Gln1013Arg (NM_001395696.1, NM_001395687.1, NM_001395688.1 and 2 more transcripts); c.1760A>G, p.Gln587Arg (NM_001395697.1); c.3161A>G, p.Gln1054Arg (NM_001395686.1); short protein forms Q1013R, Q587R, Q1148R, Q959R, Q1054R.
Identifiers: ClinVar variation 4240524 (VCV004240524.1).